The following is an entry in ClinVar:

ClinVar aggregate classification (germline): Pathogenic (1 of 4 stars; one submission).

Allele frequency attached by ClinVar (database versions not stated): TOPMed 0.00002.

Submission:

Labcorp Genetics (formerly Invitae), Labcorp
Classification: Pathogenic. Last evaluated: 2023-04-13. Review status: criteria provided, single submitter. Criteria: Invitae Variant Classification Sherloc (09022015). Collection method: clinical testing. Allele origin: germline.
Comment: ClinVar contains an entry for this variant (Variation ID: 1457326). This variant has not been reported in the literature in individuals affected with C8B-related conditions. This variant is not present in population databases (gnomAD no frequency). This sequence change creates a premature translational stop signal (p.Glu265*) in the C8B gene. It is expected to result in an absent or disrupted protein product. Loss-of-function variants in C8B are known to be pathogenic (PMID: 7594510). For these reasons, this variant has been classified as Pathogenic.

Literature cited by the submitters: PubMed 7594510.

NM_000066.4(C8B):c.793G>T (p.Glu265Ter)

Gene: C8B (complement C8 beta chain; minus strand). Cytogenetic location: 1p32.2.
Variant type: single nucleotide variant.
Coding change: c.793G>T on transcript NM_000066.4 (MANE Select); coding-DNA position 793, G replaced by T.
Protein change: p.Glu265Ter; replaces glutamic acid 265 with a stop codon.
Molecular consequence: nonsense.
Genome position (GRCh38, 1-based): chr1:56,949,626, C>A on the plus strand (G>T on the coding strand, the complement: C8B is on the minus strand). VCF-style: chr1-56949626-C-A. GRCh37 (hg19) VCF-style: chr1-57415299-C-A.
Other names: c.637G>T, p.Glu213Ter (NM_001278543.2); c.607G>T, p.Glu203Ter (NM_001278544.2); short protein forms E265*, E203*, E213*.
Identifiers: ClinVar variation 1457326 (VCV001457326.6), dbSNP rs1175509707, ClinGen allele CA340531245.